The following is an entry in ClinVar:

NM_001754.5(RUNX1):c.*44C>G

Gene: RUNX1 (RUNX family transcription factor 1; minus strand). Cytogenetic location: 21q22.12.
Variant type: single nucleotide variant.
Coding change: c.*44C>G on transcript NM_001754.5 (MANE Select); 44 bases downstream of the stop codon, C replaced by G.
Molecular consequence: 3 prime UTR variant.
Genome position (GRCh38, 1-based): chr21:34,792,091, G>C on the plus strand (C>G on the coding strand, the complement: RUNX1 is on the minus strand). VCF-style: chr21-34792091-G-C. GRCh37 (hg19) VCF-style: chr21-36164388-G-C.
Other names: c.*44C>G (NM_001001890.3).
Identifiers: ClinVar variation 258181 (VCV000258181.11), dbSNP rs535532916, ClinGen allele CA10014163.

ClinVar aggregate classification (germline): Benign. Review status: reviewed by expert panel (3 of 4 stars). 5 submissions from 5 submitters: Benign (1). 4 of the submissions do not count toward it. Last evaluated 2022-06-30.

Conditions:
Hereditary thrombocytopenia and hematologic cancer predisposition syndrome. Identifiers: Orphanet 71290, MedGen CN281654, MONDO:0011071.
Hereditary thrombocytopenia and hematological cancer predisposition syndrome associated with RUNX1. Also called: Familial Platelet Disorder with Propensity to Acute Myelogenous Leukemia; Familial thrombocytopenia with propensity to acute myelogenous leukemia; PLATELET DISORDER, ASPIRIN-LIKE; RUNX1 Familial Platelet Disorder with Associated Myeloid Malignancies. Identifiers: Orphanet 71290, MedGen C1832388, MeSH C563324, MONDO:0100083, OMIM 601399.

Allele frequency attached by ClinVar (database versions not stated): 1000 Genomes Project 0.00120; 1000 Genomes Project 30x 0.00250; TOPMed 0.00836; gnomAD 0.00850 and 0.00869; gnomAD exomes 0.01087; ExAC 0.01420.
gnomAD v4.1: 14,982 of 1,255,064 alleles (1.2%); highest among the groups gnomAD compares: Non-Finnish European, 1.3%; 114 homozygotes.

Submissions (5):

ClinGen Myeloid Malignancy Variant Curation Expert Panel
Classification: Benign for Hereditary thrombocytopenia and hematologic cancer predisposition syndrome. Last evaluated: 2022-06-30. Review status: reviewed by expert panel. Criteria: ClinGen MyeloMalig ACMG Specifications v2. Collection method: curation. Allele origin: germline. Inheritance: Autosomal dominant inheritance.
Comment: NM_001754.5(RUNX1):c.*44C>G is a 3' UTR variant. MAF of 0.01 (1.31%, 885/67420 alleles) in the European (non-Finnish) subpopulation of the gnomAD v3.1.2 cohort is ≥ 0.0015 (0.15%) (BA1). This variant is reported in 4 homozygotes in gnomAD v3.1.2 (BP2). In summary, this variant meets criteria to be classified as benign. ACMG/AMP criteria applied, as specified by the Myeloid Malignancy Variant Curation Expert Panel for RUNX1: BA1, BP2

GeneDx
Classification: Likely benign. Last evaluated: 2018-07-20. Review status: criteria provided, single submitter. Criteria: GeneDx Variant Classification Process June 2021. Collection method: clinical testing. Allele origin: germline. Affected: yes. Not counted in ClinVar's aggregate classification.

Illumina Laboratory Services, Illumina
Classification: Benign for Hereditary thrombocytopenia and hematological cancer predisposition syndrome associated with RUNX1. Last evaluated: 2018-01-13. Review status: criteria provided, single submitter. Criteria: ICSL Variant Classification Criteria 13 December 2019. Collection method: clinical testing. Allele origin: germline. Not counted in ClinVar's aggregate classification.
Comment: This variant was observed in the ICSL laboratory as part of a predisposition screen in an ostensibly healthy population. It had not been previously curated by ICSL or reported in the Human Gene Mutation Database (HGMD: prior to June 1st, 2018), and was therefore a candidate for classification through an automated scoring system. Utilizing variant allele frequency, disease prevalence and penetrance estimates, and inheritance mode, an automated score was calculated to assess if this variant is too frequent to cause the disease. Based on the score and internal cut-off values, a variant classified as benign is not then subjected to further curation. The score for this variant resulted in a classification of benign for this disease.

Breakthrough Genomics
Classification: Likely benign. Review status: criteria provided, single submitter. Criteria: ACMG Guidelines, 2015. Collection method: not provided. Allele origin: germline. Inheritance: Autosomal dominant inheritance. Affected: yes. Not counted in ClinVar's aggregate classification.

PreventionGenetics, part of Exact Sciences
Classification: Likely benign. Review status: criteria provided, single submitter. Criteria: ACMG Guidelines, 2015. Collection method: clinical testing. Allele origin: germline. Not counted in ClinVar's aggregate classification.